The following is an entry in ClinVar:

ClinVar aggregate classification (germline): Benign/Likely benign. Review status: criteria provided, multiple submitters, no conflicts (2 of 4 stars). 4 submissions from 4 submitters: Benign (3); Likely benign (1). Last evaluated 2026-02-03.

Conditions:
RASopathy. Also called: rasopathies; Noonan spectrum disorder. Identifiers: Orphanet 536391, MedGen C5555857, MONDO:0021060.

Allele frequency attached by ClinVar (database versions not stated): gnomAD exomes 0.00006 and 0.00012; ExAC 0.00017; 1000 Genomes Project 30x 0.00031; 1000 Genomes Project 0.00040; ESP Exome Variant Server 0.00046; gnomAD 0.00057 and 0.00061; TOPMed 0.00064.

Submissions (4):

Labcorp Genetics (formerly Invitae), Labcorp
Classification: Benign for RASopathy. Last evaluated: 2026-02-03. Review status: criteria provided, single submitter. Criteria: Invitae Variant Classification Sherloc (09022015). Collection method: clinical testing. Allele origin: germline.

Women's Health and Genetics/Laboratory Corporation of America, LabCorp
Classification: Benign. Last evaluated: 2025-01-13. Review status: criteria provided, single submitter. Criteria: LabCorp Variant Classification Summary - May 2015. Collection method: clinical testing. Allele origin: germline.

Blueprint Genetics
Classification: Likely benign. Last evaluated: 2024-05-29. Review status: criteria provided, single submitter. Criteria: ACMG Guidelines, 2015. Collection method: clinical testing. Allele origin: germline.

GeneDx
Classification: Benign. Last evaluated: 2017-07-24. Review status: criteria provided, single submitter. Criteria: GeneDx Variant Classification (06012015). Collection method: clinical testing. Allele origin: germline. Affected: yes.
Comment: This variant is considered likely benign or benign based on one or more of the following criteria: it is a conservative change, it occurs at a poorly conserved position in the protein, it is predicted to be benign by multiple in silico algorithms, and/or has population frequency not consistent with disease.

NM_002880.4(RAF1):c.320+19A>G

Gene: RAF1 (Raf-1 proto-oncogene, serine/threonine kinase; minus strand). Cytogenetic location: 3p25.2.
Variant type: single nucleotide variant.
Coding change: c.320+19A>G on transcript NM_002880.4 (MANE Select); 19 bases into the intron after coding-DNA position 320, A replaced by G.
Molecular consequence: intron variant.
Genome position (GRCh38, 1-based): chr3:12,611,931, T>C on the plus strand (A>G on the coding strand, the complement: RAF1 is on the minus strand). VCF-style: chr3-12611931-T-C. GRCh37 (hg19) VCF-style: chr3-12653430-T-C.
Other names: c.78-2596A>G (NM_001354695.3, NM_001354692.3, NM_001354694.3 and 1 more transcripts); c.320+19A>G (NM_001354693.3, NM_001354689.3, NM_001354690.3).
Identifiers: ClinVar variation 378465 (VCV000378465.12), dbSNP rs5746197, ClinGen allele CA2259793.